The following is an entry in ClinVar:

NM_201384.3(PLEC):c.4868C>T (p.Ala1623Val)

Gene: PLEC (plectin; minus strand). Cytogenetic location: 8q24.3.
Variant type: single nucleotide variant.
Coding change: c.4868C>T on transcript NM_201384.3 (MANE Select); coding-DNA position 4868, C replaced by T.
Protein change: p.Ala1623Val; replaces alanine 1623 with valine.
Molecular consequence: missense variant.
Genome position (GRCh38, 1-based): chr8:143,925,061, G>A on the plus strand (C>T on the coding strand, the complement: PLEC is on the minus strand). VCF-style: chr8-143925061-G-A. GRCh37 (hg19) VCF-style: chr8-144999229-G-A.
Other names: c.4949C>T, p.Ala1650Val (NM_000445.5); c.4826C>T, p.Ala1609Val (NM_201378.4); c.4802C>T, p.Ala1601Val (NM_201379.3); c.5279C>T, p.Ala1760Val (NM_201380.4); c.4772C>T, p.Ala1591Val (NM_201381.3); c.4868C>T, p.Ala1623Val (NM_201382.4); c.4880C>T, p.Ala1627Val (NM_201383.3); short protein forms A1591V, A1601V, A1609V, A1623V, A1627V, A1650V, A1760V.
Identifiers: ClinVar variation 1053782 (VCV001053782.5), dbSNP rs1327099630, ClinGen allele CA372552095.

ClinVar aggregate classification (germline): Uncertain significance (1 of 4 stars; one submission).

Conditions:
Epidermolysis bullosa simplex 5B, with muscular dystrophy (EBS5B). Also called: Epidermolysis bullosa simplex with muscular dystrophy; EPIDERMOLYSIS BULLOSA SIMPLEX AND LIMB-GIRDLE MUSCULAR DYSTROPHY. Identifiers: Orphanet 257, MedGen C2931072, MONDO:0009181, OMIM 226670.
Epidermolysis bullosa simplex 5C, with pyloric atresia (EBS5C). Also called: Epidermolysis bullosa simplex with pyloric atresia; PLEC-Related Epidermolysis Bullosa with Pyloric Atresia; PLEC1-Related Epidermolysis Bullosa with Pyloric Atresia. Identifiers: Orphanet 158684, MedGen C2677349, MONDO:0012807, OMIM 612138.
Epidermolysis bullosa simplex, Ogna type (EBS5A). Also called: Pidermolysis bullosa simplex 5A, Ogna type; EPIDERMOLYSIS BULLOSA SIMPLEX 5A, OGNA TYPE. Identifiers: Orphanet 79401, MedGen C0432317, MONDO:0007555, OMIM 131950.
Autosomal recessive limb-girdle muscular dystrophy type 2Q (LGMDR17). Also called: MUSCULAR DYSTROPHY, LIMB-GIRDLE, AUTOSOMAL RECESSIVE 17. Identifiers: Orphanet 254361, MedGen C3150989, MONDO:0013390, OMIM 613723.
Epidermolysis bullosa simplex with nail dystrophy (EBS5D). Identifiers: MedGen C4225309, MONDO:0014661, OMIM 616487.

Allele frequency attached by ClinVar (database versions not stated): TOPMed 0.00001; gnomAD 0.00002; gnomAD exomes 0.00003.
gnomAD v4.1: 39 of 1,540,954 alleles (0.0025%); highest among the groups gnomAD compares: Middle Eastern, 0.018%; no homozygotes.

Submission:

Labcorp Genetics (formerly Invitae), Labcorp
Classification: Uncertain significance for Autosomal recessive limb-girdle muscular dystrophy type 2Q; Epidermolysis bullosa simplex, Ogna type; Epidermolysis bullosa simplex with nail dystrophy; Epidermolysis bullosa simplex 5C, with pyloric atresia; Epidermolysis bullosa simplex 5B, with muscular dystrophy. Last evaluated: 2025-08-30. Review status: criteria provided, single submitter. Criteria: Invitae Variant Classification Sherloc (09022015). Collection method: clinical testing. Allele origin: germline.
Comment: This sequence change replaces alanine, which is neutral and non-polar, with valine, which is neutral and non-polar, at codon 1650 of the PLEC protein (p.Ala1650Val). The frequency data for this variant in the population databases is considered unreliable, as metrics indicate poor data quality at this position in the gnomAD database. This variant has not been reported in the literature in individuals affected with PLEC-related conditions. ClinVar contains an entry for this variant (Variation ID: 1053782). Invitae Evidence Modeling of protein sequence and biophysical properties (such as structural, functional, and spatial information, amino acid conservation, physicochemical variation, residue mobility, and thermodynamic stability) indicates that this missense variant is not expected to disrupt PLEC protein function with a negative predictive value of 80%. In summary, the available evidence is currently insufficient to determine the role of this variant in disease. Therefore, it has been classified as a Variant of Uncertain Significance.